The following is an entry in ClinVar:

ClinVar aggregate classification (germline): Likely benign (1 of 4 stars; one submission).

Conditions:
Autosomal recessive nonsyndromic hearing loss 89. Also called: Deafness, autosomal recessive 89. Identifiers: Orphanet 90636, MedGen C3151351, MONDO:0013489, OMIM 613916.

Allele frequency attached by ClinVar (database versions not stated): TOPMed 0.00001; gnomAD 0.00002 and 0.00003; gnomAD exomes 0.00002 and 0.00004; ExAC 0.00005.
gnomAD v4.1: 39 of 1,613,396 alleles (0.0024%); highest among the groups gnomAD compares: South Asian, 0.018%; no homozygotes.

Submission:

Clinical and Biomedical Sciences, University of Exeter
Classification: Likely benign for Autosomal recessive nonsyndromic hearing loss 89. Last evaluated: 2021-01-11. Review status: criteria provided, single submitter. Criteria: ACMG Guidelines, 2015. Collection method: research. Allele origin: inherited. Affected: yes. Observed: 1 variant allele. Study: 100K Genomes Project.
Comment: Splicing assays were performed by RT-PCR on parental Paxgene blood samples and by minigene analysis. No alternative splicing products were observed as determined by agarose gel electrophoresis or by Sanger sequencing.

NM_005548.3(KARS1):c.1695+5G>A

Gene: KARS1 (lysyl-tRNA synthetase 1; minus strand). Cytogenetic location: 16q23.1.
Variant type: single nucleotide variant.
Coding change: c.1695+5G>A on transcript NM_005548.3 (MANE Select); 5 bases into the intron after coding-DNA position 1695, G replaced by A.
Molecular consequence: intron variant.
Genome position (GRCh38, 1-based): chr16:75,628,564, C>T on the plus strand (G>A on the coding strand, the complement: KARS1 is on the minus strand). VCF-style: chr16-75628564-C-T. GRCh37 (hg19) VCF-style: chr16-75662462-C-T.
Other names: c.1779+5G>A (NM_001130089.2); c.1227+5G>A (NM_001378148.1).
Identifiers: ClinVar variation 320626 (VCV000320626.3), dbSNP rs778438390, ClinGen allele CA8177163.